The following is an entry in ClinVar:

ClinVar aggregate classification (germline): Uncertain significance (1 of 4 stars; one submission).

Submission:

Women's Health and Genetics/Laboratory Corporation of America, LabCorp
Classification: Uncertain significance. Last evaluated: 2025-05-13. Review status: criteria provided, single submitter. Criteria: LabCorp Variant Classification Summary - May 2015. Collection method: clinical testing. Allele origin: germline.
Comment: Variant summary: DSPP c.2202_2204delCAG (p.Ser735del) results in an in-frame deletion that is predicted to remove 1 amino acids from the encoded protein. The variant allele was found at a frequency of 1.7e-05 in 1549874 control chromosomes in the gnomAD database, including 1 homozygotes. This frequency is not significantly higher than estimated for a pathogenic variant in DSPP causing Dentinogenesis Imperfecta Type 2, allowing no conclusion about variant significance. To our knowledge, no occurrence of c.2202_2204delCAG in individuals affected with Dentinogenesis Imperfecta Type 2 and no experimental evidence demonstrating its impact on protein function have been reported. The variant occurs within a repeat region and a larger benign in-frame deletion p.Asn739_Ser744del fully encompasses the current Ser735del (Variation ID: 1233150; Benign per ClinVar). No submitters have cited clinical-significance assessments for this variant to ClinVar. Based on the evidence outlined above, the variant was classified as uncertain significance.

NM_014208.3(DSPP):c.2202_2204del (p.Ser735del)

Genes: DMP1-AS1 (DMP1 and DSPP antisense RNA 1; minus strand), DSPP (dentin sialophosphoprotein; plus strand). Cytogenetic location: 4q22.1.
Variant type: Deletion.
Coding change: c.2202_2204del on transcript NM_014208.3 (MANE Select); coding-DNA positions 2202 to 2204, 3 bases deleted (CAG; older notation c.2202_2204delCAG).
Protein change: p.Ser735del; deletes serine 735.
Molecular consequence: inframe deletion.
Genome position (GRCh38, 1-based): chr4:87,614,864-87,614,866, CAG deleted; deleting any 3 consecutive bases within chr4:87,614,862-87,614,866 gives the same sequence; the c. name uses the placement nearest the transcript's 3' end. VCF-style (leftmost placement, unchanged base first): chr4-87614861-TAGC-T. GRCh37 (hg19) VCF-style: chr4-88536013-TAGC-T.
Other names: c.2202_2204delCAG (NM_014208.3); short protein forms S735del.
Identifiers: ClinVar variation 3902243 (VCV003902243.1).